The following is an entry in ClinVar:

ClinVar aggregate classification (germline): Conflicting classifications of pathogenicity. Review status: criteria provided, conflicting classifications (1 of 4 stars). 4 submissions from 4 submitters: Uncertain significance (2); Likely benign (2). Last evaluated 2025-01-06.

Conditions:
Cardiovascular phenotype. Identifiers: MedGen CN230736.

Allele frequency attached by ClinVar (database versions not stated): TOPMed below 0.00001; gnomAD exomes 0.00004 and 0.00002; ExAC 0.00004; gnomAD 0.00001.
gnomAD v4.1: 32 of 1,614,048 alleles (0.002%); highest among the groups gnomAD compares: Middle Eastern, 0.099%; no homozygotes.

Submissions (4):

Revvity Omics, Revvity
Classification: Uncertain significance. Last evaluated: 2025-01-06. Review status: criteria provided, single submitter. Criteria: ACMG Guidelines, 2015. Collection method: clinical testing. Allele origin: germline.

Laboratory for Molecular Medicine, Mass General Brigham Personalized Medicine
Classification: Likely benign. Last evaluated: 2020-09-22. Review status: criteria provided, single submitter. Criteria: LMM Criteria. Collection method: clinical testing. Allele origin: germline. Observed: 1 variant allele.
Comment: The p.Arg3145Lys variant in TTN is classified as likely benign because it has been identified in 0.026% (8/30614) of South Asian chromosomes by gnomAD. Computational prediction tools and conservation analyses do not provide strong support for or against an impact to the protein. ACMG/AMP Criteria applied: BS1.

Ambry Genetics
Classification: Uncertain significance for Cardiovascular phenotype. Last evaluated: 2020-01-10. Review status: criteria provided, single submitter. Criteria: Ambry Variant Classification Scheme 2023. Collection method: clinical testing. Allele origin: germline.
Comment: The p.R3099K variant (also known as c.9296G>A), located in coding exon 38 of the TTN gene, results from a G to A substitution at nucleotide position 9296. The arginine at codon 3099 is replaced by lysine, an amino acid with highly similar properties. This amino acid position is highly conserved in available vertebrate species. In addition, this alteration is predicted to be tolerated by in silico analysis. Since supporting evidence is limited at this time, the clinical significance of this alteration remains unclear.

GeneDx
Classification: Likely benign. Last evaluated: 2018-02-06. Review status: criteria provided, single submitter. Criteria: GeneDx Variant Classification (06012015). Collection method: clinical testing. Allele origin: germline. Affected: yes.
Comment: This variant is considered likely benign or benign based on one or more of the following criteria: it is a conservative change, it occurs at a poorly conserved position in the protein, it is predicted to be benign by multiple in silico algorithms, and/or has population frequency not consistent with disease.

NM_001267550.2(TTN):c.9434G>A (p.Arg3145Lys)

Gene: TTN (titin; minus strand). Cytogenetic location: 2q31.2.
Variant type: single nucleotide variant.
Coding change: c.9434G>A on transcript NM_001267550.2 (MANE Select); coding-DNA position 9434, G replaced by A.
Protein change: p.Arg3145Lys; replaces arginine 3145 with lysine.
Molecular consequence: missense variant.
Genome position (GRCh38, 1-based): chr2:178,767,796, C>T on the plus strand (G>A on the coding strand, the complement: TTN is on the minus strand). VCF-style: chr2-178767796-C-T. GRCh37 (hg19) VCF-style: chr2-179632523-C-T.
Other names: c.9434G>A, p.Arg3145Lys (NM_001256850.1, NM_133378.4, NM_133379.5); c.9296G>A, p.Arg3099Lys (NM_003319.4, NM_133432.3, NM_133437.4); short protein forms R3145K, R3099K.
Identifiers: ClinVar variation 166299 (VCV000166299.9), dbSNP rs727503682, ClinGen allele CA179228.